The following is an entry in ClinVar:

ClinVar aggregate classification (germline): Pathogenic (1 of 4 stars; one submission).

Conditions:
DNA ligase IV deficiency. Identifiers: Orphanet 99812, MedGen C1847827, MONDO:0011686, OMIM 606593.

Allele frequency attached by ClinVar (database versions not stated): gnomAD exomes below 0.00001.

Submission:

Labcorp Genetics (formerly Invitae), Labcorp
Classification: Pathogenic for DNA ligase IV deficiency. Last evaluated: 2023-01-26. Review status: criteria provided, single submitter. Criteria: Invitae Variant Classification Sherloc (09022015). Collection method: clinical testing. Allele origin: germline.
Comment: For these reasons, this variant has been classified as Pathogenic. This variant disrupts a region of the LIG4 protein in which other variant(s) (p.Arg814*) have been determined to be pathogenic (PMID: 11779494, 16088910, 24123394, 25239263). This suggests that this is a clinically significant region of the protein, and that variants that disrupt it are likely to be disease-causing. This variant has not been reported in the literature in individuals affected with LIG4-related conditions. This variant is not present in population databases (gnomAD no frequency). This sequence change creates a premature translational stop signal (p.His643Profs*2) in the LIG4 gene. While this is not anticipated to result in nonsense mediated decay, it is expected to disrupt the last 269 amino acid(s) of the LIG4 protein.

Literature cited by the submitters: PubMed 11779494; PubMed 16088910; PubMed 24123394; PubMed 25239263.

NM_206937.2(LIG4):c.1928del (p.His643fs)

Gene: LIG4 (DNA ligase 4; minus strand). Cytogenetic location: 13q33.3.
Variant type: Deletion.
Coding change: c.1928del on transcript NM_206937.2 (MANE Select); coding-DNA position 1928, one base deleted (A; older notation c.1928delA).
Protein change: p.His643fs; shifts the reading frame from histidine 643.
Molecular consequence: frameshift variant.
Genome position (GRCh38, 1-based): chr13:108,209,341, T deleted on the plus strand (A on the coding strand, the reverse complement: LIG4 is on the minus strand). VCF-style (leftmost placement, unchanged base first): chr13-108209340-GT-G. GRCh37 (hg19) VCF-style: chr13-108861688-GT-G.
Other names: c.1928del, p.His643fs (NM_001098268.2, NM_001352598.2, NM_001352599.2 and 6 more transcripts); c.1727del, p.His576fs (NM_001330595.2); c.1964del, p.His655fs (NM_001352604.2); short protein forms H643fs, H655fs, H576fs.
Identifiers: ClinVar variation 2832269 (VCV002832269.3), dbSNP rs2501589806, ClinGen allele CA2575452314.
Genomic context (GRCh38, chr13:108,209,340, plus strand): 5'-CTCTACATCTTCAAATATATTAGAAATTTTGTTAACGTTAGTAAGGTTAGGTGCTTTTAA[GT>G]GCTCAATAATTCCAATAACTTTCTTCATCTTTGGGGCAGCTTTCCGCTTTTTTTCTTGTG-3'